The following is an entry in ClinVar:

NM_032638.5(GATA2):c.1066A>G (p.Thr356Ala)

Gene: GATA2 (GATA binding protein 2; minus strand). Cytogenetic location: 3q21.3.
Variant type: single nucleotide variant.
Coding change: c.1066A>G on transcript NM_032638.5 (MANE Select); coding-DNA position 1066, A replaced by G.
Protein change: p.Thr356Ala; replaces threonine 356 with alanine.
Molecular consequence: missense variant.
Genome position (GRCh38, 1-based): chr3:128,481,896, T>C on the plus strand (A>G on the coding strand, the complement: GATA2 is on the minus strand). VCF-style: chr3-128481896-T-C. GRCh37 (hg19) VCF-style: chr3-128200739-T-C.
Other names: c.1066A>G, p.Thr356Ala (NM_001145661.2); c.1024A>G, p.Thr342Ala (NM_001145662.1); c.1066A>G (NM_032638.4); short protein forms T342A, T356A.
Identifiers: ClinVar variation 1497793 (VCV001497793.9), dbSNP rs2107668715, ClinGen allele CA354413610.

ClinVar aggregate classification (germline): Uncertain significance. Review status: criteria provided, multiple submitters, no conflicts (2 of 4 stars). 2 submissions from 2 submitters: Uncertain significance (2). Last evaluated 2025-07-19.

Conditions:
Deafness-lymphedema-leukemia syndrome. Also called: Lymphedema, primary, with myelodysplasia; Emberger syndrome. Identifiers: Orphanet 3226, MedGen C3279664, MONDO:0013540, OMIM 614038.
Monocytopenia with susceptibility to infections. Also called: MONOCYTOPENIA AND MYCOBACTERIAL INFECTION SYNDROME; MONOCYTOPENIA WITH SUSCEPTIBILITY TO MYCOBACTERIAL, FUNGAL, AND PAPILLOMAVIRUS INFECTIONS AND MYELODYSPLASIA; COMBINED IMMUNODEFICIENCY WITH SUSCEPTIBILITY TO MYCOBACTERIAL, VIRAL, AND FUNGAL INFECTIONS; Dendritic cell, monocyte, B lymphocyte, and natural killer lymphocyte deficiency; IMMUNODEFICIENCY 21; GATA2 DEFICIENCY. Identifiers: Orphanet 228423, MedGen C3280030, MONDO:0013607, OMIM 614172.
Inborn genetic diseases. Identifiers: MedGen C0950123, MeSH D030342.

Submissions (2):

Ambry Genetics
Classification: Uncertain significance for Inborn genetic diseases. Last evaluated: 2025-07-19. Review status: criteria provided, single submitter. Criteria: Ambry Variant Classification Scheme 2023. Collection method: clinical testing. Allele origin: germline.
Comment: The p.T356A variant (also known as c.1066A>G), located in coding exon 4 of the GATA2 gene, results from an A to G substitution at nucleotide position 1066. The threonine at codon 356 is replaced by alanine, an amino acid with similar properties. This amino acid position is conserved. In addition, this alteration is predicted to be deleterious by in silico analysis. Based on the available evidence, the clinical significance of this variant remains unclear.

Labcorp Genetics (formerly Invitae), Labcorp
Classification: Uncertain significance for Monocytopenia with susceptibility to infections; Deafness-lymphedema-leukemia syndrome. Last evaluated: 2022-11-15. Review status: criteria provided, single submitter. Criteria: Invitae Variant Classification Sherloc (09022015). Collection method: clinical testing. Allele origin: germline.
Comment: This sequence change replaces threonine, which is neutral and polar, with alanine, which is neutral and non-polar, at codon 356 of the GATA2 protein (p.Thr356Ala). This variant is not present in population databases (gnomAD no frequency). This variant has not been reported in the literature in individuals affected with GATA2-related conditions. ClinVar contains an entry for this variant (Variation ID: 1497793). Advanced modeling of protein sequence and biophysical properties (such as structural, functional, and spatial information, amino acid conservation, physicochemical variation, residue mobility, and thermodynamic stability) has been performed at Invitae for this missense variant, however the output from this modeling did not meet the statistical confidence thresholds required to predict the impact of this variant on GATA2 protein function. In summary, the available evidence is currently insufficient to determine the role of this variant in disease. Therefore, it has been classified as a Variant of Uncertain Significance.